The following is an entry in ClinVar:

ClinVar aggregate classification (germline): Uncertain significance (1 of 4 stars; one submission).

Conditions:
Supravalvar aortic stenosis (SVAS). Also called: Supravalvar aortic stenosis, Eisenberg type. Identifiers: Orphanet 3193, MedGen C0003499, MONDO:0008504, OMIM 185500, HP:0004381.

Allele frequency attached by ClinVar (database versions not stated): gnomAD exomes below 0.00001.
gnomAD v4.1: 1 of 1,614,184 alleles (0.000062%); highest among the groups gnomAD compares: South Asian, 0.0011%; no homozygotes.

Submission:

Labcorp Genetics (formerly Invitae), Labcorp
Classification: Uncertain significance for Supravalvar aortic stenosis. Last evaluated: 2022-12-30. Review status: criteria provided, single submitter. Criteria: Invitae Variant Classification Sherloc (09022015). Collection method: clinical testing. Allele origin: germline.
Comment: This sequence change replaces glycine, which is neutral and non-polar, with glutamic acid, which is acidic and polar, at codon 224 of the ELN protein (p.Gly224Glu). This variant is not present in population databases (gnomAD no frequency). This variant has not been reported in the literature in individuals affected with ELN-related conditions. Advanced modeling of protein sequence and biophysical properties (such as structural, functional, and spatial information, amino acid conservation, physicochemical variation, residue mobility, and thermodynamic stability) performed at Invitae indicates that this missense variant is not expected to disrupt ELN protein function. In summary, the available evidence is currently insufficient to determine the role of this variant in disease. Therefore, it has been classified as a Variant of Uncertain Significance.

NM_000501.4(ELN):c.671G>A (p.Gly224Glu)

Gene: ELN (elastin; plus strand). Cytogenetic location: 7q11.23.
Variant type: single nucleotide variant.
Coding change: c.671G>A on transcript NM_000501.4 (MANE Select); coding-DNA position 671, G replaced by A.
Protein change: p.Gly224Glu; replaces glycine 224 with glutamic acid.
Molecular consequence: missense variant. On other transcripts: intron variant (2).
Genome position (GRCh38, 1-based): chr7:74,047,702, G>A. VCF-style: chr7-74047702-G-A. GRCh37 (hg19) VCF-style: chr7-73462032-G-A.
Other names: c.641G>A, p.Gly214Glu (NM_001081752.3, NM_001278917.2); c.686G>A, p.Gly229Glu (NM_001081753.3, NM_001081754.3); c.671G>A, p.Gly224Glu (NM_001081755.3, NM_001278912.2, NM_001278915.2 and 1 more transcripts); c.656G>A, p.Gly219Glu (NM_001278914.2); c.539G>A, p.Gly180Glu (NM_001278918.2); c.644-440G>A (NM_001278916.2); c.578-440G>A (NM_001278913.2); short protein forms G180E, G219E, G229E, G224E, G214E.
Identifiers: ClinVar variation 2824949 (VCV002824949.3), dbSNP rs1792899881, ClinGen allele CA367870415.